The following is an entry in ClinVar:

NM_005477.3(HCN4):c.595C>G (p.Gln199Glu)

Gene: HCN4 (hyperpolarization activated cyclic nucleotide gated potassium channel 4; minus strand). Cytogenetic location: 15q24.1.
Variant type: single nucleotide variant.
Coding change: c.595C>G on transcript NM_005477.3 (MANE Select); coding-DNA position 595, C replaced by G.
Protein change: p.Gln199Glu; replaces glutamine 199 with glutamic acid.
Molecular consequence: missense variant.
Genome position (GRCh38, 1-based): chr15:73,367,676, G>C on the plus strand (C>G on the coding strand, the complement: HCN4 is on the minus strand). VCF-style: chr15-73367676-G-C. GRCh37 (hg19) VCF-style: chr15-73660017-G-C.
Other names: short protein forms Q199E.
Identifiers: ClinVar variation 3283662 (VCV003283662.1).

ClinVar aggregate classification (germline): Uncertain significance (1 of 4 stars; one submission).

Conditions:
Cardiovascular phenotype. Identifiers: MedGen CN230736.

gnomAD v4.1: 3 of 1,603,752 alleles (0.00019%); highest among the groups gnomAD compares: Non-Finnish European, 0.00025%; no homozygotes.

Submission:

Ambry Genetics
Classification: Uncertain significance for Cardiovascular phenotype. Last evaluated: 2024-05-12. Review status: criteria provided, single submitter. Criteria: Ambry Variant Classification Scheme 2023. Collection method: clinical testing. Allele origin: germline.
Comment: The p.Q199E variant (also known as c.595C>G), located in coding exon 1 of the HCN4 gene, results from a C to G substitution at nucleotide position 595. The glutamine at codon 199 is replaced by glutamic acid, an amino acid with highly similar properties. This amino acid position is conserved. In addition, the in silico prediction for this alteration is inconclusive. Based on the available evidence, the clinical significance of this variant remains unclear.